The following is an entry in ClinVar:

ClinVar aggregate classification (germline): Uncertain significance (1 of 4 stars; one submission).

Allele frequency attached by ClinVar (database versions not stated): 1000 Genomes Project 0.00020; ExAC 0.00022; 1000 Genomes Project 30x 0.00031.
gnomAD v4.1: 188 of 1,614,010 alleles (0.012%); highest among the groups gnomAD compares: Admixed American, 0.04%; no homozygotes.

Submission:

Labcorp Genetics (formerly Invitae), Labcorp
Classification: Uncertain significance. Last evaluated: 2025-04-19. Review status: criteria provided, single submitter. Criteria: Invitae Variant Classification Sherloc (09022015). Collection method: clinical testing. Allele origin: germline.
Comment: This sequence change replaces aspartic acid, which is acidic and polar, with asparagine, which is neutral and polar, at codon 4981 of the HMCN1 protein (p.Asp4981Asn). This variant is present in population databases (rs112526907, gnomAD 0.05%). This variant has not been reported in the literature in individuals affected with HMCN1-related conditions. ClinVar contains an entry for this variant (Variation ID: 2072013). An algorithm developed to predict the effect of missense changes on protein structure and function (PolyPhen-2) suggests that this variant is likely to be disruptive. In summary, the available evidence is currently insufficient to determine the role of this variant in disease. Therefore, it has been classified as a Variant of Uncertain Significance.

NM_031935.3(HMCN1):c.14941G>A (p.Asp4981Asn)

Gene: HMCN1 (hemicentin 1; plus strand). Cytogenetic location: 1q31.1.
Variant type: single nucleotide variant.
Coding change: c.14941G>A on transcript NM_031935.3 (MANE Select); coding-DNA position 14941, G replaced by A.
Protein change: p.Asp4981Asn; replaces aspartic acid 4981 with asparagine.
Molecular consequence: missense variant.
Genome position (GRCh38, 1-based): chr1:186,152,794, G>A. VCF-style: chr1-186152794-G-A. GRCh37 (hg19) VCF-style: chr1-186121926-G-A.
Other names: short protein forms D4981N.
Identifiers: ClinVar variation 2072013 (VCV002072013.4), dbSNP rs112526907, ClinGen allele CA1295110.